The following is an entry in ClinVar:

NM_001371333.1(DIABLO):c.315+6T>A

Gene: DIABLO (diablo IAP-binding mitochondrial protein; minus strand). Cytogenetic location: 12q24.31.
Variant type: single nucleotide variant.
Coding change: c.315+6T>A on transcript NM_001371333.1 (MANE Select); 6 bases into the intron after coding-DNA position 315, T replaced by A.
Molecular consequence: intron variant.
Genome position (GRCh38, 1-based): chr12:122,218,260, A>T on the plus strand (T>A on the coding strand, the complement: DIABLO is on the minus strand). VCF-style: chr12-122218260-A-T. GRCh37 (hg19) VCF-style: chr12-122702807-A-T.
Other names: c.96+6T>A (NM_001278303.1); c.184-1391T>A (NM_001278342.1); c.25-1391T>A (NM_001278302.1); c.156+6T>A (NM_138930.3, NM_001278304.2); c.315+6T>A (NM_019887.6).
Identifiers: ClinVar variation 228574 (VCV000228574.16), dbSNP rs370571609, ClinGen allele CA6843960.

ClinVar aggregate classification (germline): Conflicting classifications of pathogenicity. Review status: criteria provided, conflicting classifications (1 of 4 stars). 4 submissions from 4 submitters: Uncertain significance (1); Likely benign (3). Last evaluated 2026-01-26.

Allele frequency attached by ClinVar (database versions not stated): 1000 Genomes Project 30x 0.00016; 1000 Genomes Project 0.00020; gnomAD 0.00046 and 0.00049; ExAC 0.00047; gnomAD exomes 0.00047 and 0.00081; TOPMed 0.00058; ESP Exome Variant Server 0.00069.
gnomAD v4.1: 1,255 of 1,614,092 alleles (0.078%); highest among the groups gnomAD compares: Non-Finnish European, 0.094%; 1 homozygote.

Submissions (6):

Labcorp Genetics (formerly Invitae), Labcorp
Classification: Likely benign. Last evaluated: 2026-01-26. Review status: criteria provided, single submitter. Criteria: Invitae Variant Classification Sherloc (09022015). Collection method: clinical testing. Allele origin: germline.

GeneDx
Classification: Likely benign. Last evaluated: 2020-11-13. Review status: criteria provided, single submitter. Criteria: GeneDx Variant Classification Process June 2021. Collection method: clinical testing. Allele origin: germline. Affected: yes.

Laboratory for Molecular Medicine, Mass General Brigham Personalized Medicine
Classification: Uncertain significance. Last evaluated: 2016-06-16. Review status: criteria provided, single submitter. Criteria: LMM Criteria. Collection method: clinical testing. Allele origin: germline. Observed: 2 variant alleles.
Comment: Variant classified as Uncertain Significance - Favor Benign. It has also been i dentified in 0.05% (57/121370) of chromosomes by the Exome Aggregation Consortiu m (ExAC;dbSNP rs370571609). Although this varian t has been seen in the general population, its frequency is not high enough to r ule out a pathogenic role. This variant is located in the 5' splice region. Comp utational tools do not suggest an impact to splicing; however, this information is not predictive enough to rule out pathogenicity. In summary, while the clinic al significance of the c.315+6T>A variant is uncertain, available data suggest t hat this variant is more likely to be benign.

PreventionGenetics, part of Exact Sciences
Classification: Likely benign. Review status: criteria provided, single submitter. Criteria: ACMG Guidelines, 2015. Collection method: clinical testing. Allele origin: germline.

Dr. Peter K. Rogan Lab, Western University
No classification provided (evidence only). Condition: Familial cancer of breast. Review status: no classification provided. Collection method: in vitro. Allele origin: not applicable. Functional consequence: retained intron. Not counted in ClinVar's aggregate classification.

Dr. Peter K. Rogan Lab, Western University
No classification provided (evidence only). Condition: Uterine corpus endometrial carcinoma. Review status: no classification provided. Collection method: in vitro. Allele origin: not applicable. Functional consequence: skipped exon. Not counted in ClinVar's aggregate classification.